The following is an entry in ClinVar:

ClinVar aggregate classification (germline): Uncertain significance. Review status: criteria provided, multiple submitters, no conflicts (2 of 4 stars). 2 submissions from 2 submitters: Uncertain significance (2). Last evaluated 2025-02-10.

Conditions:
Familial cancer of breast. Also called: BREAST CANCER, FAMILIAL; Hereditary breast cancer; hereditary breast carcinoma. Identifiers: Orphanet 227535, MedGen C0346153, MONDO:0016419, OMIM 114480. Disease mechanism: loss of function.
Fanconi anemia complementation group J. Also called: BRIP1-Related Fanconi Anemia. Identifiers: Orphanet 84, MedGen C1836860, MONDO:0012187, OMIM 609054.
Hereditary cancer-predisposing syndrome. Also called: Hereditary neoplastic syndrome; Tumor predisposition; Neoplastic Syndromes, Hereditary; Hereditary Cancer Syndrome. Identifiers: Orphanet 140162, MedGen C0027672, MeSH D009386, MONDO:0015356.

Submissions (2):

Ambry Genetics
Classification: Uncertain significance for Hereditary cancer-predisposing syndrome. Last evaluated: 2025-02-10. Review status: criteria provided, single submitter. Criteria: Ambry Variant Classification Scheme 2023. Collection method: clinical testing. Allele origin: germline.
Comment: The p.S625L variant (also known as c.1874C>T), located in coding exon 12 of the BRIP1 gene, results from a C to T substitution at nucleotide position 1874. The serine at codon 625 is replaced by leucine, an amino acid with dissimilar properties. This amino acid position is highly conserved in available vertebrate species. In addition, the in silico prediction for this alteration is inconclusive. Based on the available evidence, the clinical significance of this variant remains unclear.

Labcorp Genetics (formerly Invitae), Labcorp
Classification: Uncertain significance for Familial cancer of breast; Fanconi anemia complementation group J. Last evaluated: 2022-07-15. Review status: criteria provided, single submitter. Criteria: Invitae Variant Classification Sherloc (09022015). Collection method: clinical testing. Allele origin: germline.
Comment: This sequence change replaces serine, which is neutral and polar, with leucine, which is neutral and non-polar, at codon 625 of the BRIP1 protein (p.Ser625Leu). This variant is not present in population databases (gnomAD no frequency). This variant has not been reported in the literature in individuals affected with BRIP1-related conditions. Advanced modeling of protein sequence and biophysical properties (such as structural, functional, and spatial information, amino acid conservation, physicochemical variation, residue mobility, and thermodynamic stability) performed at Invitae indicates that this missense variant is expected to disrupt BRIP1 protein function. Algorithms developed to predict the effect of sequence changes on RNA splicing suggest that this variant may disrupt the consensus splice site. In summary, the available evidence is currently insufficient to determine the role of this variant in disease. Therefore, it has been classified as a Variant of Uncertain Significance.

NM_032043.3(BRIP1):c.1874C>T (p.Ser625Leu)

Gene: BRIP1 (BRCA1 interacting DNA helicase 1; minus strand). Cytogenetic location: 17q23.2.
Variant type: single nucleotide variant.
Coding change: c.1874C>T on transcript NM_032043.3 (MANE Select); coding-DNA position 1874, C replaced by T.
Protein change: p.Ser625Leu; replaces serine 625 with leucine.
Molecular consequence: missense variant.
Genome position (GRCh38, 1-based): chr17:61,780,322, G>A on the plus strand (C>T on the coding strand, the complement: BRIP1 is on the minus strand). VCF-style: chr17-61780322-G-A. GRCh37 (hg19) VCF-style: chr17-59857683-G-A.
Other names: short protein forms S625L.
Identifiers: ClinVar variation 1714137 (VCV001714137.6), dbSNP rs2545019150, ClinGen allele CA400480057.
Genomic context (GRCh38, chr17:61,780,322, plus strand): 5'-TGTGAATTTTTAATGATATGATTAGCCTCCAGCTGGATAGTAAATGTAACACCAAGTTCT[G>A]ACGAAAAGGATTTCATTGGTGATAATGTACCAGATGTCAAAACAATGGTCTGAACTTTGC-3'
Protein context (NP_114432.2, residues 615-635): GTLSPMKSFS[Ser625Leu]ELGVTFTIQL